The following is an entry in ClinVar:

NM_002474.3(MYH11):c.1470dup (p.Met491fs)

Gene: MYH11 (myosin heavy chain 11; minus strand). Cytogenetic location: 16p13.11.
Variant type: Duplication.
Coding change: c.1470dup on transcript NM_002474.3 (MANE Select); coding-DNA position 1470, one base duplicated (C; older notation c.1470dupC).
Protein change: p.Met491fs; shifts the reading frame from methionine 491.
Molecular consequence: frameshift variant.
Genome position (GRCh38, 1-based): chr16:15,757,932, G duplicated on the plus strand (C on the coding strand, the reverse complement: MYH11 is on the minus strand); the first of 2 consecutive G bases (chr16:15,757,932-15,757,933); duplicating either gives the same sequence. VCF-style (leftmost placement, unchanged base first): chr16-15757931-T-TG. GRCh37 (hg19) VCF-style: chr16-15851788-T-TG.
Other names: c.1491dup, p.Met498fs (NM_001040113.2, NM_001040114.2); c.1470dup, p.Met491fs (NM_022844.3); c.1470dupC (NM_002474.2); short protein forms M491fs, M498fs.
Identifiers: ClinVar variation 1343513 (VCV001343513.2), dbSNP rs2151274939, ClinGen allele CA2573054143.

ClinVar aggregate classification (germline): Conflicting classifications of pathogenicity. Review status: criteria provided, conflicting classifications (1 of 4 stars). 2 submissions from 2 submitters: Likely pathogenic (1); Uncertain significance (1). Last evaluated 2024-09-30.

Conditions:
Familial thoracic aortic aneurysm and aortic dissection (TAAD). Also called: Thoracic aortic aneurysms and dissections. Identifiers: Orphanet 91387, MedGen C4707243, MONDO:0019625.

Submissions (2):

Ambry Genetics
Classification: Uncertain significance for Familial thoracic aortic aneurysm and aortic dissection. Last evaluated: 2024-09-30. Review status: criteria provided, single submitter. Criteria: Ambry Variant Classification Scheme 2023. Collection method: clinical testing. Allele origin: germline.
Comment: The c.1470dupC variant, located in coding exon 12 of the MYH11 gene, results from a duplication of C at nucleotide position 1470, causing a translational frameshift with a predicted alternate stop codon (p.M491Hfs*84). This alteration is expected to result in loss of function by premature protein truncation or nonsense-mediated mRNA decay. Although biallelic loss of function of MYH11 has been associated with autosomal recessive megacystis-microcolon-intestinal hypoperistalsis syndrome, haploinsufficiency of MYH11 has not been established as a mechanism of disease for autosomal dominant thoracic aortic aneurysm and dissection. Based on the supporting evidence, this variant is expected to be causative of MYH11-related megacystis-microcolon-intestinal hypoperistalsis syndrome when present along with a second pathogenic variant on the other allele; however, its clinical significance for MYH11-related thoracic aortic aneurysm and dissection is unclear.

Women's Health and Genetics/Laboratory Corporation of America, LabCorp
Classification: Likely pathogenic for Familial thoracic aortic aneurysm and aortic dissection. Last evaluated: 2022-02-07. Review status: criteria provided, single submitter. Criteria: LabCorp Variant Classification Summary - May 2015. Collection method: clinical testing. Allele origin: germline.
Comment: Variant summary: MYH11 c.1491dupC (p.Met498HisfsX84) results in a premature termination codon, predicted to cause a truncation of the encoded protein or absence of the protein due to nonsense mediated decay, which are commonly known mechanisms for disease. The variant was absent in 251486 control chromosomes (gnomAD). To our knowledge, no occurrence of c.1491dupC in individuals affected with Thoracic Aortic Aneurysms And Dissections and no experimental evidence demonstrating its impact on protein function have been reported. No clinical diagnostic laboratories have submitted clinical-significance assessments for this variant to ClinVar after 2014. Based on the evidence outlined above, the variant was classified as likely pathogenic.